The following is an entry in ClinVar:

NM_181458.4(PAX3):c.1174-10G>C

Gene: PAX3 (paired box 3; minus strand). Cytogenetic location: 2q36.1.
Variant type: single nucleotide variant.
Coding change: c.1174-10G>C on transcript NM_181458.4 (MANE Select); 10 bases into the intron before coding-DNA position 1174, G replaced by C.
Molecular consequence: intron variant.
Genome position (GRCh38, 1-based): chr2:222,202,200, C>G on the plus strand (G>C on the coding strand, the complement: PAX3 is on the minus strand). VCF-style: chr2-222202200-C-G. GRCh37 (hg19) VCF-style: chr2-223066919-C-G.
Other names: p.?; c.1171-10G>C (NM_001127366.3); c.1174-758G>C (NM_181460.4, NM_181461.4); c.1174-10G>C (NM_181459.4, NM_181457.4).
Identifiers: ClinVar variation 226998 (VCV000226998.20), dbSNP rs2855268, ClinGen allele CA2135471.

ClinVar aggregate classification (germline): Benign. Review status: criteria provided, multiple submitters, no conflicts (2 of 4 stars). 9 submissions from 8 submitters: Benign (9). Last evaluated 2026-02-02.

Conditions:
Waardenburg syndrome. Also called: Waardenburg's syndrome. Identifiers: Orphanet 3440, MedGen C3266898, MONDO:0018094.
Craniofacial-deafness-hand syndrome (CDHS). Identifiers: Orphanet 1529, MedGen C1852510, MONDO:0007395, OMIM 122880.

Allele frequency attached by ClinVar (database versions not stated): gnomAD 0.11848 and 0.11559; ESP Exome Variant Server 0.12312; 1000 Genomes Project 0.07188; 1000 Genomes Project 30x 0.07324; TOPMed 0.11238.
gnomAD v4.1: 202,086 of 1,566,748 alleles (13%); highest among the groups gnomAD compares: Middle Eastern, 18%; 14,235 homozygotes.

Submissions (9):

Labcorp Genetics (formerly Invitae), Labcorp
Classification: Benign. Last evaluated: 2026-02-02. Review status: criteria provided, single submitter. Criteria: Invitae Variant Classification Sherloc (09022015). Collection method: clinical testing. Allele origin: germline.

Blueprint Genetics
Classification: Benign. Last evaluated: 2024-11-26. Review status: criteria provided, single submitter. Criteria: ACMG Guidelines, 2015. Collection method: clinical testing. Allele origin: germline.

Mayo Clinic Laboratories, Mayo Clinic
Classification: Benign. Last evaluated: 2020-10-20. Review status: criteria provided, single submitter. Criteria: ACMG Guidelines, 2015. Collection method: clinical testing. Allele origin: germline. Observed: 29 variant alleles.

Illumina Laboratory Services, Illumina
Classification: Benign for Craniofacial-deafness-hand syndrome. Last evaluated: 2018-01-13. Review status: criteria provided, single submitter. Criteria: ICSL Variant Classification Criteria 13 December 2019. Collection method: clinical testing. Allele origin: germline.
Comment: This variant was observed in the ICSL laboratory as part of a predisposition screen in an ostensibly healthy population. It had not been previously curated by ICSL or reported in the Human Gene Mutation Database (HGMD: prior to June 1st, 2018), and was therefore a candidate for classification through an automated scoring system. Utilizing variant allele frequency, disease prevalence and penetrance estimates, and inheritance mode, an automated score was calculated to assess if this variant is too frequent to cause the disease. Based on the score and internal cut-off values, a variant classified as benign is not then subjected to further curation. The score for this variant resulted in a classification of benign for this disease.

Illumina Laboratory Services, Illumina
Classification: Benign for Waardenburg syndrome. Last evaluated: 2018-01-13. Review status: criteria provided, single submitter. Criteria: ICSL Variant Classification Criteria 13 December 2019. Collection method: clinical testing. Allele origin: germline.
Comment: the same text as in the submission from Illumina Laboratory Services, Illumina above.

GeneDx
Classification: Benign. Last evaluated: 2017-08-03. Review status: criteria provided, single submitter. Criteria: GeneDx Variant Classification (06012015). Collection method: clinical testing. Allele origin: germline. Affected: yes.
Comment: This variant is considered likely benign or benign based on one or more of the following criteria: it is a conservative change, it occurs at a poorly conserved position in the protein, it is predicted to be benign by multiple in silico algorithms, and/or has population frequency not consistent with disease.

Laboratory for Molecular Medicine, Mass General Brigham Personalized Medicine
Classification: Benign. Last evaluated: 2014-11-24. Review status: criteria provided, single submitter. Criteria: LMM Criteria. Collection method: clinical testing. Allele origin: germline. Observed: 216 variant alleles.
Comment: 1174-10G>C in intron 7C of PAX3: This variant is not expected to have clinical s ignificance because it has been identified in 14.6% (1259/8598) of European Amer ican chromosomes from a broad population by the NHLBI Exome Sequencing Project (dbSNP rs2855268).

Breakthrough Genomics
Classification: Benign. Review status: criteria provided, single submitter. Criteria: ACMG Guidelines, 2015. Collection method: not provided. Allele origin: germline. Inheritance: Autosomal recessive inheritance. Affected: yes.

PreventionGenetics, part of Exact Sciences
Classification: Benign. Review status: criteria provided, single submitter. Criteria: ACMG Guidelines, 2015. Collection method: clinical testing. Allele origin: germline.